The following is an entry in ClinVar:

NM_006329.4(FBLN5):c.513A>C (p.Glu171Asp)

Gene: FBLN5 (fibulin 5; minus strand). Cytogenetic location: 14q32.12.
Variant type: single nucleotide variant.
Coding change: c.513A>C on transcript NM_006329.4 (MANE Select); coding-DNA position 513, A replaced by C.
Protein change: p.Glu171Asp; replaces glutamic acid 171 with aspartic acid.
Molecular consequence: missense variant.
Genome position (GRCh38, 1-based): chr14:91,891,327, T>G on the plus strand (A>C on the coding strand, the complement: FBLN5 is on the minus strand). VCF-style: chr14-91891327-T-G. GRCh37 (hg19) VCF-style: chr14-92357671-T-G.
Other names: c.636A>C, p.Glu212Asp (NM_001384158.1); c.564A>C, p.Glu188Asp (NM_001384159.1); c.513A>C, p.Glu171Asp (NM_001384160.1); c.345A>C, p.Glu115Asp (NM_001384161.1, NM_001384162.1); short protein forms E115D, E171D, E188D, E212D.
Identifiers: ClinVar variation 2842928 (VCV002842928.3), dbSNP rs2542794909, ClinGen allele CA390643037.
Genomic context (GRCh38, chr14:91,891,327, plus strand): 5'-TGTACAAGAATAGGATCCAGGAACATTCGCACAGAGCTGCTGGCAGTAACCATAGCGACA[T>G]TCATCAATGTCTGGAAACAGAAATGCAAGCAAAGTGAGACAGGTCTCCTCACTCAATGAT-3'
Protein context (NP_006320.2, residues 161-181): LLEGQCLDID[Glu171Asp]CRYGYCQQLC

ClinVar aggregate classification (germline): Uncertain significance (1 of 4 stars; one submission).

Submission:

Labcorp Genetics (formerly Invitae), Labcorp
Classification: Uncertain significance. Last evaluated: 2023-11-27. Review status: criteria provided, single submitter. Criteria: Invitae Variant Classification Sherloc (09022015). Collection method: clinical testing. Allele origin: germline.
Comment: This sequence change replaces glutamic acid, which is acidic and polar, with aspartic acid, which is acidic and polar, at codon 171 of the FBLN5 protein (p.Glu171Asp). This variant is not present in population databases (gnomAD no frequency). This variant has not been reported in the literature in individuals affected with FBLN5-related conditions. Advanced modeling of protein sequence and biophysical properties (such as structural, functional, and spatial information, amino acid conservation, physicochemical variation, residue mobility, and thermodynamic stability) performed at Invitae indicates that this missense variant is expected to disrupt FBLN5 protein function with a positive predictive value of 80%. In summary, the available evidence is currently insufficient to determine the role of this variant in disease. Therefore, it has been classified as a Variant of Uncertain Significance.